The following is an entry in ClinVar:

ClinVar aggregate classification (germline): Pathogenic/Likely pathogenic. Review status: criteria provided, multiple submitters, no conflicts (2 of 4 stars). 2 submissions from 2 submitters: Pathogenic (1); Likely pathogenic (1). Last evaluated 2023-03-07.

Conditions:
Osteogenesis imperfecta type I (OI1). Also called: OI, TYPE I; OSTEOGENESIS IMPERFECTA TARDA; OSTEOGENESIS IMPERFECTA WITH BLUE SCLERAE; Osteogenesis imperfecta type 1; Classic Non-deforming Osteogenesis Imperfecta with Blue Sclerae; Lobstein's Disease. Identifiers: Orphanet 216796, Orphanet 666, MedGen C0023931, MONDO:0008146, OMIM 166200. Disease mechanism: loss of function.

Submissions (2):

Labcorp Genetics (formerly Invitae), Labcorp
Classification: Pathogenic for Osteogenesis imperfecta type I. Last evaluated: 2023-03-07. Review status: criteria provided, single submitter. Criteria: Invitae Variant Classification Sherloc (09022015). Collection method: clinical testing. Allele origin: germline.
Comment: This sequence change replaces glycine, which is neutral and non-polar, with aspartic acid, which is acidic and polar, at codon 320 of the COL1A1 protein (p.Gly320Asp). This variant is not present in population databases (gnomAD no frequency). This missense change has been observed in individual(s) with osteogenesis imperfecta (PMID: 27509835, 27519266; Invitae). ClinVar contains an entry for this variant (Variation ID: 194456). Experimental studies and prediction algorithms are not available or were not evaluated, and the functional significance of this variant is currently unknown. This variant disrupts the triple helix domain of COL1A1. Glycine residues within the Gly-Xaa-Yaa repeats of the triple helix domain are required for the structure and stability of fibrillar collagens (PMID: 7695699, 8218237, 19344236). In COL1A1, variants affecting these glycine residues are significantly enriched in individuals with disease (PMID: 9016532, 17078022) compared to the general population (ExAC). For these reasons, this variant has been classified as Pathogenic.

Eurofins Ntd Llc (ga)
Classification: Likely pathogenic. Last evaluated: 2015-05-04. Review status: criteria provided, single submitter. Criteria: EGL Classification Definitions 2015. Collection method: clinical testing. Allele origin: germline. Observed: 1 variant allele, 1 heterozygote.

Literature cited by the submitters: PubMed 27509835 (cited by Labcorp Genetics (formerly Invitae), Labcorp); PubMed 27519266 (cited by Labcorp Genetics (formerly Invitae), Labcorp); PubMed 7695699 (cited by Labcorp Genetics (formerly Invitae), Labcorp); PubMed 8218237 (cited by Labcorp Genetics (formerly Invitae), Labcorp); PubMed 19344236 (cited by Labcorp Genetics (formerly Invitae), Labcorp); PubMed 9016532 (cited by Labcorp Genetics (formerly Invitae), Labcorp); PubMed 17078022 (cited by Labcorp Genetics (formerly Invitae), Labcorp).

NM_000088.4(COL1A1):c.959G>A (p.Gly320Asp)

Gene: COL1A1 (collagen type I alpha 1 chain; minus strand). Cytogenetic location: 17q21.33.
Variant type: single nucleotide variant.
Coding change: c.959G>A on transcript NM_000088.4 (MANE Select); coding-DNA position 959, G replaced by A.
Protein change: p.Gly320Asp; replaces glycine 320 with aspartic acid.
Molecular consequence: missense variant.
Genome position (GRCh38, 1-based): chr17:50,196,198, C>T on the plus strand (G>A on the coding strand, the complement: COL1A1 is on the minus strand). VCF-style: chr17-50196198-C-T. GRCh37 (hg19) VCF-style: chr17-48273559-C-T.
Other names: short protein forms G320D.
Identifiers: ClinVar variation 194456 (VCV000194456.8), dbSNP rs72645353, ClinGen allele CA275017.